The following is an entry in ClinVar:

NM_000064.4(C3):c.3846C>G (p.Tyr1282Ter)

Gene: C3 (complement C3; minus strand). Cytogenetic location: 19p13.3.
Variant type: single nucleotide variant.
Coding change: c.3846C>G on transcript NM_000064.4 (MANE Select); coding-DNA position 3846, C replaced by G.
Protein change: p.Tyr1282Ter; replaces tyrosine 1282 with a stop codon.
Molecular consequence: nonsense.
Genome position (GRCh38, 1-based): chr19:6,685,111, G>C on the plus strand (C>G on the coding strand, the complement: C3 is on the minus strand). VCF-style: chr19-6685111-G-C. GRCh37 (hg19) VCF-style: chr19-6685122-G-C.
Other names: short protein forms Y1282*.
Identifiers: ClinVar variation 4293946 (VCV004293946.1).
Genomic context (GRCh38, chr19:6,685,111, plus strand): 5'-GCTGGGCAGTTGGAGGGACACATCAAGGTTCAGTTCCTGGTGGTCAGGGGCGTCCTTTTG[G>C]TATTGAGCCAAGGCTTGGAACACCATGAAGGTGGCCTAGAACCCACAAGAGAGAAAGATG-3'

ClinVar aggregate classification (germline): Likely pathogenic (1 of 4 stars; one submission).

Conditions:
Complement component 3 deficiency. Identifiers: Orphanet 280133, MedGen C3151071, MONDO:0013417, OMIM 613779.

Submission:

3billion
Classification: Likely pathogenic for Complement component 3 deficiency. Last evaluated: 2025-01-06. Review status: criteria provided, single submitter. Criteria: ACMG Guidelines, 2015. Collection method: clinical testing. Allele origin: germline. Affected: yes.
Comment: The variant is not observed in the gnomAD v4.1.0 dataset. Predicted Consequence/Location: Stop-gained (nonsense): predicted to result in a loss or disruption of normal protein function through nonsense-mediated decay (NMD) or protein truncation. Multiple pathogenic variants are reported downstream of the variant. Therefore, this variant is classified as Likely pathogenic according to the recommendation of ACMG/AMP guideline.